The following is an entry in ClinVar:

NM_000257.4(MYH7):c.520A>G (p.Ile174Val)

Gene: MYH7 (myosin heavy chain 7; minus strand). Cytogenetic location: 14q11.2.
Variant type: single nucleotide variant.
Coding change: c.520A>G on transcript NM_000257.4 (MANE Select); coding-DNA position 520, A replaced by G.
Protein change: p.Ile174Val; replaces isoleucine 174 with valine.
Molecular consequence: missense variant.
Genome position (GRCh38, 1-based): chr14:23,432,489, T>C on the plus strand (A>G on the coding strand, the complement: MYH7 is on the minus strand). VCF-style: chr14-23432489-T-C. GRCh37 (hg19) VCF-style: chr14-23901698-T-C.
Other names: c.520A>G, p.Ile174Val (NM_001407004.1); short protein forms I174V.
Identifiers: ClinVar variation 2691619 (VCV002691619.1), dbSNP rs2502316654, ClinGen allele CA389052635.

ClinVar aggregate classification (germline): Uncertain significance (1 of 4 stars; one submission).

Allele frequency attached by ClinVar (database versions not stated): gnomAD exomes below 0.00001.
gnomAD v4.1: 2 of 1,614,000 alleles (0.00012%); highest among the groups gnomAD compares: Non-Finnish European, 0.00017%; no homozygotes.

Submission:

Women's Health and Genetics/Laboratory Corporation of America, LabCorp
Classification: Uncertain significance. Last evaluated: 2023-12-12. Review status: criteria provided, single submitter. Criteria: LabCorp Variant Classification Summary - May 2015. Collection method: clinical testing. Allele origin: germline.
Comment: Variant summary: MYH7 c.520A>G (p.Ile174Val) results in a conservative amino acid change located in the Myosin head, motor domain of the encoded protein sequence. Four of five in-silico tools predict a benign effect of the variant on protein function. The variant was absent in 251478 control chromosomes. The available data on variant occurrences in the general population are insufficient to allow any conclusion about variant significance. To our knowledge, no occurrence of c.520A>G in individuals affected with Cardiomyopathy and no experimental evidence demonstrating its impact on protein function have been reported. No submitters have cited clinical-significance assessments for this variant to ClinVar after 2014. Based on the evidence outlined above, the variant was classified as uncertain significance.